The following is an entry in ClinVar:

NM_000051.4(ATM):c.5022C>G (p.Cys1674Trp)

Gene: ATM (ATM serine/threonine kinase; plus strand). Cytogenetic location: 11q22.3.
Variant type: single nucleotide variant.
Coding change: c.5022C>G on transcript NM_000051.4 (MANE Select); coding-DNA position 5022, C replaced by G.
Protein change: p.Cys1674Trp; replaces cysteine 1674 with tryptophan.
Molecular consequence: missense variant.
Genome position (GRCh38, 1-based): chr11:108,299,730, C>G. VCF-style: chr11-108299730-C-G. GRCh37 (hg19) VCF-style: chr11-108170457-C-G.
Other names: c.5022C>G (NM_000051.3); c.5022C>G, p.Cys1674Trp (NM_001351834.2); short protein forms C1674W.
Identifiers: ClinVar variation 1025210 (VCV001025210.8), dbSNP rs2083319473, ClinGen allele CA382540185.

ClinVar aggregate classification (germline): Uncertain significance. Review status: criteria provided, multiple submitters, no conflicts (2 of 4 stars). 3 submissions from 3 submitters: Uncertain significance (3). Last evaluated 2025-08-11.

Conditions:
Ataxia-telangiectasia syndrome (AT). Also called: ATAXIA-TELANGIECTASIA, FRESNO VARIANT; Ataxia-telangiectasia, complementation group D; AT, COMPLEMENTATION GROUP C; Cerebello-oculocutaneous telangiectasia; Immunodeficiency with ataxia telangiectasia; Ataxia telangiectasia (A-T). Identifiers: Orphanet 100, MedGen C0004135, MONDO:0008840, OMIM 208900.
Familial cancer of breast. Also called: BREAST CANCER, FAMILIAL; hereditary breast carcinoma; Hereditary breast cancer. Identifiers: Orphanet 227535, MedGen C0346153, MONDO:0016419, OMIM 114480. Disease mechanism: loss of function.

Submissions (3):

Labcorp Genetics (formerly Invitae), Labcorp
Classification: Uncertain significance for Ataxia-telangiectasia syndrome. Last evaluated: 2025-08-11. Review status: criteria provided, single submitter. Criteria: Invitae Variant Classification Sherloc (09022015). Collection method: clinical testing. Allele origin: germline.
Comment: This sequence change replaces cysteine, which is neutral and slightly polar, with tryptophan, which is neutral and slightly polar, at codon 1674 of the ATM protein (p.Cys1674Trp). This variant is not present in population databases (gnomAD no frequency). This variant has not been reported in the literature in individuals affected with ATM-related conditions. ClinVar contains an entry for this variant (Variation ID: 1025210). Invitae Evidence Modeling of protein sequence and biophysical properties (such as structural, functional, and spatial information, amino acid conservation, physicochemical variation, residue mobility, and thermodynamic stability) has been performed for this missense variant. However, the output from this modeling did not meet the statistical confidence thresholds required to predict the impact of this variant on ATM protein function. Algorithms developed to predict the effect of sequence changes on RNA splicing suggest that this variant may disrupt the consensus splice site. In summary, the available evidence is currently insufficient to determine the role of this variant in disease. Therefore, it has been classified as a Variant of Uncertain Significance.

Baylor Genetics
Classification: Uncertain significance for Familial cancer of breast. Last evaluated: 2023-10-26. Review status: criteria provided, single submitter. Criteria: ACMG Guidelines, 2015. Collection method: clinical testing. Allele origin: unknown.

GeneDx
Classification: Uncertain significance. Last evaluated: 2023-10-16. Review status: criteria provided, single submitter. Criteria: GeneDx Variant Classification Process June 2021. Collection method: clinical testing. Allele origin: germline. Affected: yes.
Comment: Not observed at significant frequency in large population cohorts (gnomAD); In silico analysis supports that this missense variant has a deleterious effect on protein structure/function; In silico analysis is inconclusive as to whether the variant alters gene splicing. In the absence of RNA/functional studies, the actual effect of this sequence change is unknown.; Has not been previously published as pathogenic or benign to our knowledge